The following is an entry in ClinVar:

NM_025137.4(SPG11):c.3394C>T (p.Pro1132Ser)

Gene: SPG11 (SPG11 vesicle trafficking associated, spatacsin; minus strand). Cytogenetic location: 15q21.1.
Variant type: single nucleotide variant.
Coding change: c.3394C>T on transcript NM_025137.4 (MANE Select); coding-DNA position 3394, C replaced by T.
Protein change: p.Pro1132Ser; replaces proline 1132 with serine.
Molecular consequence: missense variant.
Genome position (GRCh38, 1-based): chr15:44,608,503, G>A on the plus strand (C>T on the coding strand, the complement: SPG11 is on the minus strand). VCF-style: chr15-44608503-G-A. GRCh37 (hg19) VCF-style: chr15-44900701-G-A.
Other names: c.3394C>T, p.Pro1132Ser (NM_001160227.2); short protein forms P1132S.
Identifiers: ClinVar variation 1358334 (VCV001358334.5), dbSNP rs891639488, ClinGen allele CA270062599.

ClinVar aggregate classification (germline): Uncertain significance (1 of 4 stars; one submission).

Conditions:
Hereditary spastic paraplegia 11. Also called: SPASTIC PARAPLEGIA, AUTOSOMAL RECESSIVE, COMPLICATED, WITH THIN CORPUS CALLOSUM; SPASTIC PARAPLEGIA, AUTOSOMAL RECESSIVE, WITH MENTAL IMPAIRMENT AND THIN CORPUS CALLOSUM; Spastic Paraplegia 11; Nakamura Osame syndrome; Autosomal recessive hereditary spastic paraplegia, mental impairment, and thin corpus callosum; Spastic paraplegia, mental retardation and thin corpus callosum. Identifiers: Orphanet 2822, MedGen C1858479, MONDO:0011445, OMIM 604360.

Allele frequency attached by ClinVar (database versions not stated): gnomAD 0.00002; TOPMed 0.00003.
gnomAD v4.1: 6 of 1,613,958 alleles (0.00037%); highest among the groups gnomAD compares: African/African-American, 0.0067%; no homozygotes.

Submission:

Labcorp Genetics (formerly Invitae), Labcorp
Classification: Uncertain significance for Hereditary spastic paraplegia 11. Last evaluated: 2022-07-02. Review status: criteria provided, single submitter. Criteria: Invitae Variant Classification Sherloc (09022015). Collection method: clinical testing. Allele origin: germline.
Comment: This sequence change replaces proline, which is neutral and non-polar, with serine, which is neutral and polar, at codon 1132 of the SPG11 protein (p.Pro1132Ser). This variant is present in population databases (no rsID available, gnomAD 0.02%). This variant has not been reported in the literature in individuals affected with SPG11-related conditions. ClinVar contains an entry for this variant (Variation ID: 1358334). Algorithms developed to predict the effect of missense changes on protein structure and function are either unavailable or do not agree on the potential impact of this missense change (SIFT: "Tolerated"; PolyPhen-2: "Probably Damaging"; Align-GVGD: "Class C0"). In summary, the available evidence is currently insufficient to determine the role of this variant in disease. Therefore, it has been classified as a Variant of Uncertain Significance.